The following is an entry in ClinVar:

ClinVar aggregate classification (germline): Uncertain significance (1 of 4 stars; one submission).

Submission:

Labcorp Genetics (formerly Invitae), Labcorp
Classification: Uncertain significance. Last evaluated: 2020-10-25. Review status: criteria provided, single submitter. Criteria: Invitae Variant Classification Sherloc (09022015). Collection method: clinical testing. Allele origin: germline.
Comment: In summary, the available evidence is currently insufficient to determine the role of this variant in disease. Therefore, it has been classified as a Variant of Uncertain Significance. Algorithms developed to predict the effect of sequence changes on RNA splicing suggest that this variant may create or strengthen a splice site, but this prediction has not been confirmed by published transcriptional studies. Advanced modeling of protein sequence and biophysical properties (such as structural, functional, and spatial information, amino acid conservation, physicochemical variation, residue mobility, and thermodynamic stability) performed at Invitae indicates that this missense variant is expected to disrupt LRP2 protein function. This variant has not been reported in the literature in individuals with LRP2-related conditions. This variant is not present in population databases (ExAC no frequency). This sequence change replaces alanine with glutamic acid at codon 1493 of the LRP2 protein (p.Ala1493Glu). The alanine residue is moderately conserved and there is a moderate physicochemical difference between alanine and glutamic acid.

NM_004525.3(LRP2):c.4478C>A (p.Ala1493Glu)

Gene: LRP2 (LDL receptor related protein 2; minus strand). Cytogenetic location: 2q31.1.
Variant type: single nucleotide variant.
Coding change: c.4478C>A on transcript NM_004525.3 (MANE Select); coding-DNA position 4478, C replaced by A.
Protein change: p.Ala1493Glu; replaces alanine 1493 with glutamic acid.
Molecular consequence: missense variant.
Genome position (GRCh38, 1-based): chr2:169,238,119, G>T on the plus strand (C>A on the coding strand, the complement: LRP2 is on the minus strand). VCF-style: chr2-169238119-G-T. GRCh37 (hg19) VCF-style: chr2-170094629-G-T.
Other names: short protein forms A1493E.
Identifiers: ClinVar variation 1383726 (VCV001383726.8), dbSNP rs748382645, ClinGen allele CA349144339.